The following is an entry in ClinVar:

NM_198904.4(GABRG2):c.934G>C (p.Val312Leu)

Gene: GABRG2 (gamma-aminobutyric acid type A receptor subunit gamma2; plus strand). Cytogenetic location: 5q34.
Variant type: single nucleotide variant.
Coding change: c.934G>C on transcript NM_198904.4 (MANE Select); coding-DNA position 934, G replaced by C.
Protein change: p.Val312Leu; replaces valine 312 with leucine.
Molecular consequence: missense variant. On other transcripts: intron variant (1).
Genome position (GRCh38, 1-based): chr5:162,149,119, G>C. VCF-style: chr5-162149119-G-C. GRCh37 (hg19) VCF-style: chr5-161576125-G-C.
Other names: c.934G>C, p.Val312Leu (NM_000816.3); c.925G>C, p.Val309Leu (NM_001375339.1); c.931G>C, p.Val311Leu (NM_001375341.1, NM_001375342.1); c.1054G>C, p.Val352Leu (NM_001375343.1, NM_198903.2); c.973G>C, p.Val325Leu (NM_001375344.1); c.868G>C, p.Val290Leu (NM_001375345.1, NM_001375346.1); c.847G>C, p.Val283Leu (NM_001375347.1); c.514G>C, p.Val172Leu (NM_001375348.1, NM_001375350.1); and 2 more; short protein forms V172L, V217L, V283L, V290L, V309L, V311L, V312L, V325L.
Identifiers: ClinVar variation 3368362 (VCV003368362.4).

ClinVar aggregate classification (germline): Uncertain significance. Review status: criteria provided, multiple submitters, no conflicts (2 of 4 stars). 3 submissions from 3 submitters: Uncertain significance (3). Last evaluated 2025-03-27.

Conditions:
EPILEPSY, CHILDHOOD ABSENCE, SUSCEPTIBILITY TO, 2 (ECA2). Identifiers: Orphanet 64280, MedGen C1843244, OMIM 607681.
Febrile seizures, familial, 8 (FEB8). Also called: CONVULSIONS, FAMILIAL FEBRILE, 8. Identifiers: Orphanet 36387, MedGen C1969810, MONDO:0011891, OMIM 607681.

Submissions (3):

Labcorp Genetics (formerly Invitae), Labcorp
Classification: Uncertain significance for Febrile seizures, familial, 8; EPILEPSY, CHILDHOOD ABSENCE, SUSCEPTIBILITY TO, 2. Last evaluated: 2025-03-27. Review status: criteria provided, single submitter. Criteria: Invitae Variant Classification Sherloc (09022015). Collection method: clinical testing. Allele origin: germline.
Comment: This sequence change replaces valine, which is neutral and non-polar, with leucine, which is neutral and non-polar, at codon 312 of the GABRG2 protein (p.Val312Leu). This variant is not present in population databases (gnomAD no frequency). This variant has not been reported in the literature in individuals affected with GABRG2-related conditions. ClinVar contains an entry for this variant (Variation ID: 3368362). Invitae Evidence Modeling of protein sequence and biophysical properties (such as structural, functional, and spatial information, amino acid conservation, physicochemical variation, residue mobility, and thermodynamic stability) indicates that this missense variant is expected to disrupt GABRG2 protein function with a positive predictive value of 95%. In summary, the available evidence is currently insufficient to determine the role of this variant in disease. Therefore, it has been classified as a Variant of Uncertain Significance.

GeneDx
Classification: Uncertain significance. Last evaluated: 2024-01-30. Review status: criteria provided, single submitter. Criteria: GeneDx Variant Classification Process June 2021. Collection method: clinical testing. Allele origin: germline. Affected: yes.
Comment: Not observed at significant frequency in large population cohorts (gnomAD); In silico analysis supports that this missense variant has a deleterious effect on protein structure/function; Has not been previously published as pathogenic or benign to our knowledge

Blueprint Genetics
Classification: Uncertain significance. Last evaluated: 2022-06-07. Review status: criteria provided, single submitter. Criteria: ACMG Guidelines, 2015. Collection method: clinical testing. Allele origin: germline.